The following is an entry in ClinVar:

ClinVar aggregate classification (germline): Uncertain significance (1 of 4 stars; one submission).

Conditions:
Cortical dysplasia-focal epilepsy syndrome (PTHSL1). Also called: Pitt-Hopkins-like syndrome 1. Identifiers: Orphanet 163681, Orphanet 221150, MedGen C2750246, MONDO:0012400, OMIM 610042.

Allele frequency attached by ClinVar (database versions not stated): gnomAD exomes below 0.00001; gnomAD 0.00001; TOPMed 0.00002.
gnomAD v4.1: 5 of 1,614,056 alleles (0.00031%); highest among the groups gnomAD compares: Admixed American, 0.005%; no homozygotes.

Submission:

Labcorp Genetics (formerly Invitae), Labcorp
Classification: Uncertain significance for Cortical dysplasia-focal epilepsy syndrome. Last evaluated: 2023-02-27. Review status: criteria provided, single submitter. Criteria: Invitae Variant Classification Sherloc (09022015). Collection method: clinical testing. Allele origin: germline.
Comment: In summary, the available evidence is currently insufficient to determine the role of this variant in disease. Therefore, it has been classified as a Variant of Uncertain Significance. An algorithm developed to predict the effect of missense changes on protein structure and function (PolyPhen-2) suggests that this variant is likely to be disruptive. ClinVar contains an entry for this variant (Variation ID: 1968041). This variant has not been reported in the literature in individuals affected with CNTNAP2-related conditions. This variant is not present in population databases (gnomAD no frequency). This sequence change replaces leucine, which is neutral and non-polar, with histidine, which is basic and polar, at codon 1078 of the CNTNAP2 protein (p.Leu1078His).

NM_014141.6(CNTNAP2):c.3233T>A (p.Leu1078His)

Gene: CNTNAP2 (contactin associated protein 2; plus strand). Cytogenetic location: 7q36.1.
Variant type: single nucleotide variant.
Coding change: c.3233T>A on transcript NM_014141.6 (MANE Select); coding-DNA position 3233, T replaced by A.
Protein change: p.Leu1078His; replaces leucine 1078 with histidine.
Molecular consequence: missense variant.
Genome position (GRCh38, 1-based): chr7:148,217,510, T>A. VCF-style: chr7-148217510-T-A. GRCh37 (hg19) VCF-style: chr7-147914602-T-A.
Other names: short protein forms L1078H.
Identifiers: ClinVar variation 1968041 (VCV001968041.5), dbSNP rs772512862, ClinGen allele CA168824063.